The following is an entry in ClinVar:

ClinVar aggregate classification (germline): Pathogenic. Review status: criteria provided, multiple submitters, no conflicts (2 of 4 stars). 3 submissions from 3 submitters: Pathogenic (3). Last evaluated 2024-04-13.

Conditions:
Diabetes mellitus, transient neonatal, 2 (TNDM2). Identifiers: Orphanet 99886, MedGen C1835887, MONDO:0012480, OMIM 610374. Disease mechanism: loss of function.
Diabetes mellitus, permanent neonatal 3. Also called: ABCC8-Related Permanent Neonatal Diabetes Mellitus. Identifiers: MedGen C5394303, MONDO:0030088, OMIM 618857.
Leucine-induced hypoglycemia (LIH). Also called: LEUCINE-SENSITIVE HYPOGLYCEMIA OF INFANCY. Identifiers: MedGen C0271714, MONDO:0009415, OMIM 240800.
Type 2 diabetes mellitus. Also called: Type II diabetes mellitus. Identifiers: MedGen C0011860, MeSH D003924, MONDO:0005148, OMIM 125853, HP:0005978.
Hyperinsulinemic hypoglycemia, familial, 1 (HHF1). Also called: Persistent hyperinsulinemic hypoglycemia of infancy; HYPERINSULINISM, FAMILIAL, WITH PANCREATIC NESIDIOBLASTOSIS; HYPOGLYCEMIA, HYPERINSULINEMIC, OF INFANCY; NESIDIOBLASTOSIS OF PANCREAS; Persistent Hyperinsulinemia Hypoglycemia of Infancy. Identifiers: Orphanet 276575, Orphanet 276598, MedGen C2931832, MONDO:0009734, OMIM 256450.

Submissions (3):

Myriad Genetics, Inc.
Classification: Pathogenic for Hyperinsulinemic hypoglycemia, familial, 1. Last evaluated: 2024-04-13. Review status: criteria provided, single submitter. Criteria: Myriad Autosomal Dominant, Autosomal Recessive and X-Linked Classification Criteria (2023). Collection method: clinical testing. Allele origin: unknown.
Comment: NM_000352.3(ABCC8):c.1893delT(Q632Rfs*15) is expected to be pathogenic in the context of familial hyperinsulinism, ABCC8-related. This variant is predicted to lead to an abnormal or absent protein product due to the creation of a premature termination codon in ABCC8, a gene where loss-of-function variants are known to be pathogenic. Please note: this variant was assessed in the context of healthy population screening.

Baylor Genetics
Classification: Pathogenic for Type 2 diabetes mellitus. Last evaluated: 2023-06-28. Review status: criteria provided, single submitter. Criteria: ACMG Guidelines, 2015. Collection method: clinical testing. Allele origin: unknown.

Fulgent Genetics
Classification: Pathogenic for Type 2 diabetes mellitus; Leucine-induced hypoglycemia; Hyperinsulinemic hypoglycemia, familial, 1; Diabetes mellitus, transient neonatal, 2; Diabetes mellitus, permanent neonatal 3. Last evaluated: 2021-06-30. Review status: criteria provided, single submitter. Criteria: ACMG Guidelines, 2015. Collection method: clinical testing. Allele origin: unknown.
Comment: This variant has been detected in individual(s) who were sent for testing of Renasight - kidney gene panel.

NM_000352.6(ABCC8):c.1893del (p.Gln632fs)

Gene: ABCC8 (ATP binding cassette subfamily C member 8; minus strand). Cytogenetic location: 11p15.1.
Variant type: Deletion.
Coding change: c.1893del on transcript NM_000352.6 (MANE Select); coding-DNA position 1893, one base deleted (T; older notation c.1893delT).
Protein change: p.Gln632fs; shifts the reading frame from glutamine 632.
Molecular consequence: frameshift variant. On other transcripts: non-coding transcript variant (1).
Genome position (GRCh38, 1-based): chr11:17,428,595, A deleted on the plus strand (T on the coding strand, the reverse complement: ABCC8 is on the minus strand). VCF-style (leftmost placement, unchanged base first): chr11-17428594-GA-G. GRCh37 (hg19) VCF-style: chr11-17450141-GA-G.
Other names: c.1893del, p.Gln632fs (NM_001287174.3, NM_001351295.2); c.1890del, p.Gln631fs (NM_001351296.2, NM_001351297.2); short protein forms Q631fs, Q632fs.
Identifiers: ClinVar variation 1179142 (VCV001179142.4), dbSNP rs2133539303, ClinGen allele CA2499220831.